The following is an entry in ClinVar:

NM_001029.5(RPS26):c.311C>T (p.Ala104Val)

Gene: RPS26 (ribosomal protein S26; plus strand). Cytogenetic location: 12q13.2.
Variant type: single nucleotide variant.
Coding change: c.311C>T on transcript NM_001029.5 (MANE Select); coding-DNA position 311, C replaced by T.
Protein change: p.Ala104Val; replaces alanine 104 with valine.
Molecular consequence: missense variant.
Genome position (GRCh38, 1-based): chr12:56,043,492, C>T. VCF-style: chr12-56043492-C-T. GRCh37 (hg19) VCF-style: chr12-56437276-C-T.
Other names: short protein forms A104V.
Identifiers: ClinVar variation 2643066 (VCV002643066.26), dbSNP rs778791702, ClinGen allele CA6621754.

ClinVar aggregate classification (germline): Uncertain significance. Review status: criteria provided, multiple submitters, no conflicts (2 of 4 stars). 2 submissions from 2 submitters: Uncertain significance (2). Last evaluated 2024-10-13.

Conditions:
Diamond-Blackfan anemia 10 (DBA10). Also called: RPS26-Related Diamond-Blackfan Anemia. Identifiers: Orphanet 124, MedGen C2750080, MONDO:0013217, OMIM 613309.

Allele frequency attached by ClinVar (database versions not stated): ExAC 0.00001; gnomAD 0.00001; gnomAD exomes 0.00001; TOPMed 0.00002.
gnomAD v4.1: 19 of 1,613,550 alleles (0.0012%); highest among the groups gnomAD compares: Admixed American, 0.0067%; no homozygotes.

Submissions (2):

Labcorp Genetics (formerly Invitae), Labcorp
Classification: Uncertain significance for Diamond-Blackfan anemia 10. Last evaluated: 2024-10-13. Review status: criteria provided, single submitter. Criteria: Invitae Variant Classification Sherloc (09022015). Collection method: clinical testing. Allele origin: germline.
Comment: This sequence change replaces alanine, which is neutral and non-polar, with valine, which is neutral and non-polar, at codon 104 of the RPS26 protein (p.Ala104Val). This variant is present in population databases (rs778791702, gnomAD 0.02%). This variant has not been reported in the literature in individuals affected with RPS26-related conditions. ClinVar contains an entry for this variant (Variation ID: 2643066). Experimental studies and prediction algorithms are not available or were not evaluated, and the functional significance of this variant is currently unknown. In summary, the available evidence is currently insufficient to determine the role of this variant in disease. Therefore, it has been classified as a Variant of Uncertain Significance.

CeGaT Center for Human Genetics Tuebingen
Classification: Uncertain significance. Last evaluated: 2023-03-01. Review status: criteria provided, single submitter. Criteria: CeGaT Center For Human Genetics Tuebingen Variant Classification Criteria Version 2. Collection method: clinical testing. Allele origin: germline. Affected: yes. Observed: 1 variant allele.